The following is an entry in ClinVar:

NM_000093.5(COL5A1):c.1597G>T (p.Gly533Cys)

Gene: COL5A1 (collagen type V alpha 1 chain; plus strand). Cytogenetic location: 9q34.3.
Variant type: single nucleotide variant.
Coding change: c.1597G>T on transcript NM_000093.5 (MANE Select); coding-DNA position 1597, G replaced by T.
Protein change: p.Gly533Cys; replaces glycine 533 with cysteine.
Molecular consequence: missense variant.
Genome position (GRCh38, 1-based): chr9:134,750,817, G>T. VCF-style: chr9-134750817-G-T. GRCh37 (hg19) VCF-style: chr9-137642663-G-T.
Other names: c.1597G>T, p.Gly533Cys (NM_001278074.1); short protein forms G533C.
Identifiers: ClinVar variation 3689571 (VCV003689571.2).
Genomic context (GRCh38, chr9:134,750,817, plus strand): 5'-GCTCCCAGAGTGACCCTTGTCTTACACTTGCAGTTCCGGTTTGGAGGTGGCGGCGATGCG[G>T]GCTCCAAAGGCCCCATGGTCTCAGCCCAGGAGTCCCAGGCGCAAGCCATTCTCCAGCAGG-3'
Protein context (NP_000084.3, residues 523-543): PFRFGGGGDA[Gly533Cys]SKGPMVSAQE

ClinVar aggregate classification (germline): Uncertain significance (1 of 4 stars; one submission).

Conditions:
Ehlers-Danlos syndrome, classic type, 1 (EDSCL1). Also called: EHLERS-DANLOS SYNDROME, GRAVIS TYPE; EHLERS-DANLOS SYNDROME, SEVERE CLASSIC TYPE; Ehlers-Danlos syndrome, type 1; Ehlers-Danlos Syndrome, Classic Type, COL5A1-Related; EDS I. Identifiers: MedGen C0268335, MONDO:0019567, OMIM 130000.

gnomAD v4.1: 6 of 1,613,234 alleles (0.00037%); highest among the groups gnomAD compares: Non-Finnish European, 0.00034%; no homozygotes.

Submission:

Labcorp Genetics (formerly Invitae), Labcorp
Classification: Uncertain significance for Ehlers-Danlos syndrome, classic type, 1. Last evaluated: 2024-11-24. Review status: criteria provided, single submitter. Criteria: Invitae Variant Classification Sherloc (09022015). Collection method: clinical testing. Allele origin: germline.
Comment: This sequence change replaces glycine, which is neutral and non-polar, with cysteine, which is neutral and slightly polar, at codon 533 of the COL5A1 protein (p.Gly533Cys). This variant is not present in population databases (gnomAD no frequency). This variant has not been reported in the literature in individuals affected with COL5A1-related conditions. Invitae Evidence Modeling of protein sequence and biophysical properties (such as structural, functional, and spatial information, amino acid conservation, physicochemical variation, residue mobility, and thermodynamic stability) indicates that this missense variant is not expected to disrupt COL5A1 protein function with a negative predictive value of 95%. In summary, the available evidence is currently insufficient to determine the role of this variant in disease. Therefore, it has been classified as a Variant of Uncertain Significance.